The following is an entry in ClinVar:

NM_001352754.2(ARMC9):c.1957C>A (p.Pro653Thr)

Gene: ARMC9 (armadillo repeat containing 9; plus strand). Cytogenetic location: 2q37.1.
Variant type: single nucleotide variant.
Coding change: c.1957C>A on transcript NM_001352754.2 (MANE Select); coding-DNA position 1957, C replaced by A.
Protein change: p.Pro653Thr; replaces proline 653 with threonine.
Molecular consequence: missense variant. On other transcripts: non-coding transcript variant (1).
Genome position (GRCh38, 1-based): chr2:231,345,053, C>A. VCF-style: chr2-231345053-C-A. GRCh37 (hg19) VCF-style: chr2-232209765-C-A.
Other names: c.1957C>A, p.Pro653Thr (NM_001271466.4, NM_001291656.2, NM_001352755.2 and 2 more transcripts); c.1858C>A, p.Pro620Thr (NM_001352757.2, NM_001352758.2); c.1852C>A, p.Pro618Thr (NM_001352759.2); short protein forms P618T, P653T, P620T.
Identifiers: ClinVar variation 1513532 (VCV001513532.6), dbSNP rs1409683923, ClinGen allele CA350957161.

ClinVar aggregate classification (germline): Uncertain significance (1 of 4 stars; one submission).

Allele frequency attached by ClinVar (database versions not stated): gnomAD exomes below 0.00001.
gnomAD v4.1: 1 of 1,613,790 alleles (0.000062%); highest among the groups gnomAD compares: Admixed American, 0.0017%; no homozygotes.

Submission:

Labcorp Genetics (formerly Invitae), Labcorp
Classification: Uncertain significance. Last evaluated: 2021-06-16. Review status: criteria provided, single submitter. Criteria: Invitae Variant Classification Sherloc (09022015). Collection method: clinical testing. Allele origin: germline.
Comment: This variant has not been reported in the literature in individuals with ARMC9-related conditions. In summary, the available evidence is currently insufficient to determine the role of this variant in disease. Therefore, it has been classified as a Variant of Uncertain Significance. This variant is not present in population databases (ExAC no frequency). This sequence change replaces proline with threonine at codon 653 of the ARMC9 protein (p.Pro653Thr). The proline residue is highly conserved and there is a small physicochemical difference between proline and threonine.